The following is an entry in ClinVar:

ClinVar aggregate classification (germline): Conflicting classifications of pathogenicity. Review status: criteria provided, conflicting classifications (1 of 4 stars). 4 submissions from 4 submitters: Uncertain significance (2); Likely benign (2). Last evaluated 2026-01-11.

Conditions:
Cardiovascular phenotype. Identifiers: MedGen CN230736.
Hypercholesterolemia, autosomal dominant, type B (FHCL2). Also called: APOB-Related Familial Hypercholesterolemia, Autosomal Dominant; Hyperlipoproteinemia Type IIb; Familial Hypercholesterolemia Type B; APOLIPOPROTEIN B-100, FAMILIAL DEFECTIVE; APOLIPOPROTEIN B-100, FAMILIAL LIGAND-DEFECTIVE; Familial hypercholesterolemia 2. Identifiers: MedGen C1704417, MONDO:0007751, OMIM 144010.
Familial hypobetalipoproteinemia 1. Also called: APOB-Related Familial Hypobetalipoproteinemia; Hypobetalipoproteinemia, normotriglyceridemic; Acanthocytosis with hypobetalipoproteinemia. Identifiers: MedGen C4551990, MONDO:0014252, OMIM 615558.

Allele frequency attached by ClinVar (database versions not stated): ExAC 0.00005; gnomAD exomes 0.00005; gnomAD 0.00007; TOPMed 0.00010.
gnomAD v4.1: 78 of 1,613,728 alleles (0.0048%); highest among the groups gnomAD compares: Non-Finnish European, 0.0043%; no homozygotes.

Submissions (4):

Labcorp Genetics (formerly Invitae), Labcorp
Classification: Likely benign for Familial hypobetalipoproteinemia 1; Hypercholesterolemia, autosomal dominant, type B. Last evaluated: 2026-01-11. Review status: criteria provided, single submitter. Criteria: Invitae Variant Classification Sherloc (09022015). Collection method: clinical testing. Allele origin: germline.

Quest Diagnostics Nichols Institute San Juan Capistrano
Classification: Uncertain significance. Last evaluated: 2025-07-29. Review status: criteria provided, single submitter. Criteria: Quest Diagnostics criteria. Collection method: clinical testing. Allele origin: unknown.
Comment: The APOB c.12736T>G (p.Phe4246Val) variant has not been reported in individuals with APOB-related conditions in the published literature. The frequency of this variant in the general population (Genome Aggregation Database) is uninformative in the assessment of its pathogenicity. Analysis of this variant using bioinformatics tools for the prediction of the effect of amino acid changes on protein structure and function yielded predictions that this variant is benign. Based on the available information, we are unable to determine the clinical significance of this variant.

Molecular Diagnostic Laboratory for Inherited Cardiovascular Disease, Montreal Heart Institute
Classification: Likely benign. Last evaluated: 2019-12-30. Review status: criteria provided, single submitter. Criteria: ACMG Guidelines, 2015. Collection method: clinical testing. Allele origin: germline. Affected: yes.

Ambry Genetics
Classification: Uncertain significance for Cardiovascular phenotype. Last evaluated: 2019-06-17. Review status: criteria provided, single submitter. Criteria: Ambry Variant Classification Scheme 2023. Collection method: clinical testing. Allele origin: germline.
Comment: The p.F4246V variant (also known as c.12736T>G), located in coding exon 29 of the APOB gene, results from a T to G substitution at nucleotide position 12736. The phenylalanine at codon 4246 is replaced by valine, an amino acid with highly similar properties. This amino acid position is poorly conserved in available vertebrate species. In addition, this alteration is predicted to be tolerated by in silico analysis. Since supporting evidence is limited at this time, the clinical significance of this alteration remains unclear.

NM_000384.3(APOB):c.12736T>G (p.Phe4246Val)

Gene: APOB (apolipoprotein B; minus strand). Cytogenetic location: 2p24.1.
Variant type: single nucleotide variant.
Coding change: c.12736T>G on transcript NM_000384.3 (MANE Select); coding-DNA position 12736, T replaced by G.
Protein change: p.Phe4246Val; replaces phenylalanine 4246 with valine.
Molecular consequence: missense variant.
Genome position (GRCh38, 1-based): chr2:21,002,686, A>C on the plus strand (T>G on the coding strand, the complement: APOB is on the minus strand). VCF-style: chr2-21002686-A-C. GRCh37 (hg19) VCF-style: chr2-21225558-A-C.
Other names: short protein forms F4246V.
Identifiers: ClinVar variation 630237 (VCV000630237.11), dbSNP rs200260789, ClinGen allele CA050982.